The following is an entry in ClinVar:

NM_001257096.2(PAX1):c.961G>A (p.Glu321Lys)

Gene: PAX1 (paired box 1; plus strand). Cytogenetic location: 20p11.22.
Variant type: single nucleotide variant.
Coding change: c.961G>A on transcript NM_001257096.2 (MANE Select); coding-DNA position 961, G replaced by A.
Protein change: p.Glu321Lys; replaces glutamic acid 321 with lysine.
Molecular consequence: missense variant.
Genome position (GRCh38, 1-based): chr20:21,708,602, G>A. VCF-style: chr20-21708602-G-A. GRCh37 (hg19) VCF-style: chr20-21689240-G-A.
Other names: c.961G>A, p.Glu321Lys (NM_006192.5); short protein forms E321K.
Identifiers: ClinVar variation 2187382 (VCV002187382.2), dbSNP rs200118388, ClinGen allele CA9786634.

ClinVar aggregate classification (germline): Uncertain significance (1 of 4 stars; one submission).

Allele frequency attached by ClinVar (database versions not stated): TOPMed below 0.00001; gnomAD 0.00001; ExAC 0.00003; 1000 Genomes Project 30x 0.00016; 1000 Genomes Project 0.00020.
gnomAD v4.1: 8 of 1,613,786 alleles (0.0005%); highest among the groups gnomAD compares: Admixed American, 0.013%; no homozygotes.

Submission:

Labcorp Genetics (formerly Invitae), Labcorp
Classification: Uncertain significance. Last evaluated: 2022-04-20. Review status: criteria provided, single submitter. Criteria: Invitae Variant Classification Sherloc (09022015). Collection method: clinical testing. Allele origin: germline.
Comment: This variant has not been reported in the literature in individuals affected with PAX1-related conditions. This variant is present in population databases (rs200118388, gnomAD 0.02%). This sequence change replaces glutamic acid, which is acidic and polar, with lysine, which is basic and polar, at codon 321 of the PAX1 protein (p.Glu321Lys). Algorithms developed to predict the effect of missense changes on protein structure and function are either unavailable or do not agree on the potential impact of this missense change (SIFT: "Tolerated"; PolyPhen-2: "Probably Damaging"; Align-GVGD: "Class C0"). In summary, the available evidence is currently insufficient to determine the role of this variant in disease. Therefore, it has been classified as a Variant of Uncertain Significance.